The following is an entry in ClinVar:

NM_000530.8(MPZ):c.313C>A (p.Pro105Thr)

Gene: MPZ (myelin protein zero; minus strand). Cytogenetic location: 1q23.3.
Variant type: single nucleotide variant.
Coding change: c.313C>A on transcript NM_000530.8 (MANE Select); coding-DNA position 313, C replaced by A.
Protein change: p.Pro105Thr; replaces proline 105 with threonine.
Molecular consequence: missense variant.
Genome position (GRCh38, 1-based): chr1:161,306,843, G>T on the plus strand (C>A on the coding strand, the complement: MPZ is on the minus strand). VCF-style: chr1-161306843-G-T. GRCh37 (hg19) VCF-style: chr1-161276633-G-T.
Other names: c.313C>A, p.Pro105Thr (LRG_256t1, NM_001315491.2); short protein forms P105T.
Identifiers: ClinVar variation 14199 (VCV000014199.10), dbSNP rs121913609, ClinGen allele CA257177.

ClinVar aggregate classification (germline): Conflicting classifications of pathogenicity. Review status: criteria provided, conflicting classifications (1 of 4 stars). 3 submissions from 3 submitters: Likely pathogenic (1); Uncertain significance (1). 1 of the submissions does not count toward it. Last evaluated 2024-04-09.

Conditions:
Charcot-Marie-Tooth disease, type I (CMT1). Also called: Charcot-Marie-Tooth, Type 1; Charcot-Marie-Tooth disease type 1. Identifiers: Orphanet 65753, MedGen C0751036, MONDO:0019011.
Charcot-Marie-Tooth disease type 2J (CMT2J). Also called: CHARCOT-MARIE-TOOTH DISEASE, AXONAL, TYPE 2J; CHARCOT-MARIE-TOOTH DISEASE, TYPE 2, WITH HEARING LOSS AND PUPILLARY ABNORMALITIES; CHARCOT-MARIE-TOOTH NEUROPATHY, TYPE 2J. Identifiers: Orphanet 99943, MedGen C1843153, MONDO:0011903, OMIM 607736.

Allele frequency attached by ClinVar (database versions not stated): gnomAD 0.00001; TOPMed 0.00001.
gnomAD v4.1: 1 of 1,613,722 alleles (0.000062%); highest among the groups gnomAD compares: Non-Finnish European, 0.000085%; no homozygotes.

Submissions (3):

Labcorp Genetics (formerly Invitae), Labcorp
Classification: Uncertain significance for Charcot-Marie-Tooth disease, type I. Last evaluated: 2024-04-09. Review status: criteria provided, single submitter. Criteria: Invitae Variant Classification Sherloc (09022015). Collection method: clinical testing. Allele origin: germline.
Comment: This sequence change replaces proline, which is neutral and non-polar, with threonine, which is neutral and polar, at codon 105 of the MPZ protein (p.Pro105Thr). This variant is not present in population databases (gnomAD no frequency). This missense change has been observed in individual(s) with Charcot-Marie-Tooth disease (PMID: 17663472). ClinVar contains an entry for this variant (Variation ID: 14199). Advanced modeling of protein sequence and biophysical properties (such as structural, functional, and spatial information, amino acid conservation, physicochemical variation, residue mobility, and thermodynamic stability) performed at Invitae indicates that this missense variant is not expected to disrupt MPZ protein function with a negative predictive value of 80%. This variant disrupts the p.Pro105 amino acid residue in MPZ. Other variant(s) that disrupt this residue have been determined to be pathogenic (PMID: 29465609). This suggests that this residue is clinically significant, and that variants that disrupt this residue are likely to be disease-causing. In summary, the available evidence is currently insufficient to determine the role of this variant in disease. Therefore, it has been classified as a Variant of Uncertain Significance.

GeneDx
Classification: Likely pathogenic. Last evaluated: 2016-01-18. Review status: criteria provided, single submitter. Criteria: GeneDx Variant Classification (06012015). Collection method: clinical testing. Allele origin: germline. Affected: yes.
Comment: The P105T variant in the MPZ gene has been reported previously in two brothers with late-onset Charcot-Marie-Tooth type 2 and hearing impairment (Kabzinska et al., 2007). The P105T variant was not observed in approximately 6,500 individuals of European and African American ancestry in the NHLBI Exome Sequencing Project, indicating it is not a common benign variant in these populations. The P105T variant is a non-conservative amino acid substitution, which is likely to impact secondary protein structure as these residues differ in polarity, charge, size, and/or other properties. This substitution occurs at a position that is conserved across species. Additionally, multiple missense variants in nearby residues have been reported in the Human Gene Mutation Database in association with Charcot-Marie-Tooth disease (Stenson et al., 2014), supporting the functional importance of this region of the protein. In silico analysis is inconsistent in its predictions as to whether or not the variant is damaging to the protein structure/function. Therefore, this variant is likely pathogenic; however, the possibility that it is benign cannot be excluded.

OMIM
Classification: Pathogenic for CHARCOT-MARIE-TOOTH DISEASE, TYPE 2J. Last evaluated: 2007-09-15. Review status: no assertion criteria provided. Collection method: literature only. Allele origin: germline. Not counted in ClinVar's aggregate classification.

Literature cited by the submitters: PubMed 17663472 (cited by Labcorp Genetics (formerly Invitae), Labcorp and OMIM); PubMed 29465609 (cited by Labcorp Genetics (formerly Invitae), Labcorp).